The following is an entry in ClinVar:

ClinVar aggregate classification (germline): Uncertain significance. Review status: criteria provided, multiple submitters, no conflicts (2 of 4 stars). 2 submissions from 2 submitters: Uncertain significance (2). Last evaluated 2024-06-13.

Allele frequency attached by ClinVar (database versions not stated): TOPMed 0.00002; gnomAD exomes 0.00002 and 0.00001.
gnomAD v4.1: 16 of 1,612,208 alleles (0.00099%); highest among the groups gnomAD compares: Admixed American, 0.0067%; no homozygotes.

Submissions (2):

Revvity Omics, Revvity
Classification: Uncertain significance. Last evaluated: 2024-06-13. Review status: criteria provided, single submitter. Criteria: ACMG Guidelines, 2015. Collection method: clinical testing. Allele origin: germline.

GeneDx
Classification: Uncertain significance. Last evaluated: 2021-02-24. Review status: criteria provided, single submitter. Criteria: GeneDx Variant Classification Process June 2021. Collection method: clinical testing. Allele origin: germline. Affected: yes.
Comment: Not observed at a significant frequency in large population cohorts (Lek et al., 2016); Located in the A-band region of titin, where the majority of truncating pathogenic variants associated with DCM have been reported (Herman et al., 2012); Missense variant in a gene in which most reported pathogenic variants are truncating/loss-of-function; This variant is associated with the following publications: (PMID: 32403337)

NM_001267550.2(TTN):c.51679G>A (p.Ala17227Thr)

Genes: TTN (titin; minus strand), TTN-AS1 (TTN antisense RNA 1; plus strand). Cytogenetic location: 2q31.2.
Variant type: single nucleotide variant.
Coding change: c.51679G>A on transcript NM_001267550.2 (MANE Select); coding-DNA position 51679, G replaced by A.
Protein change: p.Ala17227Thr; replaces alanine 17227 with threonine.
Molecular consequence: missense variant.
Genome position (GRCh38, 1-based): chr2:178,609,744, C>T on the plus strand (G>A on the coding strand, the complement: TTN is on the minus strand). VCF-style: chr2-178609744-C-T. GRCh37 (hg19) VCF-style: chr2-179474471-C-T.
Other names: c.46756G>A, p.Ala15586Thr (NM_001256850.1); c.24484G>A, p.Ala8162Thr (NM_003319.4); c.43975G>A, p.Ala14659Thr (NM_133378.4); c.24859G>A, p.Ala8287Thr (NM_133432.3); c.25060G>A, p.Ala8354Thr (NM_133437.4); short protein forms A14659T, A15586T, A17227T, A8162T, A8287T, A8354T.
Identifiers: ClinVar variation 1220395 (VCV001220395.4), dbSNP rs904223315, ClinGen allele CA60983759.